The following is an entry in ClinVar:

NM_001267550.2(TTN):c.101878T>C (p.Phe33960Leu)

Genes: TTN (titin; minus strand), TTN-AS1 (TTN antisense RNA 1; plus strand). Cytogenetic location: 2q31.2.
Variant type: single nucleotide variant.
Coding change: c.101878T>C on transcript NM_001267550.2 (MANE Select); coding-DNA position 101878, T replaced by C.
Protein change: p.Phe33960Leu; replaces phenylalanine 33960 with leucine.
Molecular consequence: missense variant.
Genome position (GRCh38, 1-based): chr2:178,534,737, A>G on the plus strand (T>C on the coding strand, the complement: TTN is on the minus strand). VCF-style: chr2-178534737-A-G. GRCh37 (hg19) VCF-style: chr2-179399464-A-G.
Other names: c.96955T>C, p.Phe32319Leu (NM_001256850.1); c.74683T>C, p.Phe24895Leu (NM_003319.4); c.94174T>C, p.Phe31392Leu (NM_133378.4); c.75058T>C, p.Phe25020Leu (NM_133432.3); c.75259T>C, p.Phe25087Leu (NM_133437.4); short protein forms F25020L, F25087L, F32319L, F33960L, F24895L, F31392L.
Identifiers: ClinVar variation 4791476 (VCV004791476.1).

ClinVar aggregate classification (germline): Uncertain significance (1 of 4 stars; one submission).

Conditions:
Autosomal recessive limb-girdle muscular dystrophy type 2J (LGMDR10). Also called: Limb-girdle muscular dystrophy, type 2J; MUSCULAR DYSTROPHY, LIMB-GIRDLE, AUTOSOMAL RECESSIVE 10. Identifiers: Orphanet 140922, MedGen C1837342, MONDO:0012127, OMIM 608807.
Dilated cardiomyopathy 1G (CMD1G). Identifiers: Orphanet 154, MedGen C1858763, MONDO:0011400, OMIM 604145.

gnomAD v4.1: 1 of 1,613,690 alleles (0.000062%); highest among the groups gnomAD compares: Non-Finnish European, 0.000085%; no homozygotes.

Submission:

Labcorp Genetics (formerly Invitae), Labcorp
Classification: Uncertain significance for Dilated cardiomyopathy 1G; Autosomal recessive limb-girdle muscular dystrophy type 2J. Last evaluated: 2025-04-17. Review status: criteria provided, single submitter. Criteria: Invitae Variant Classification Sherloc (09022015). Collection method: clinical testing. Allele origin: germline.
Comment: This sequence change replaces phenylalanine, which is neutral and non-polar, with leucine, which is neutral and non-polar, at codon 33960 of the TTN protein (p.Phe33960Leu). This variant is not present in population databases (gnomAD no frequency). This variant has not been reported in the literature in individuals affected with TTN-related conditions. Experimental studies and prediction algorithms are not available or were not evaluated, and the functional significance of this variant is currently unknown. This variant is located in the M band of TTN (PMID: 25589632). Non-truncating variants in this region may be relevant for neuromuscular disorders, but have not been definitively shown to cause cardiomyopathy (PMID: 23975875). In summary, the available evidence is currently insufficient to determine the role of this variant in disease. Therefore, it has been classified as a Variant of Uncertain Significance.

Literature cited by the submitters: PubMed 25589632; PubMed 23975875.